The following is an entry in ClinVar:

ClinVar aggregate classification (germline): Uncertain significance. Review status: criteria provided, multiple submitters, no conflicts (2 of 4 stars). 2 submissions from 2 submitters: Uncertain significance (2). Last evaluated 2024-11-11.

Conditions:
Gamma-aminobutyric acid transaminase deficiency (GABATD). Also called: GABA aminotransaminase deficiency; GABA transaminase deficiency; Gamma aminobutyrate transaminase deficiency; 4 alpha aminobutyrate transaminase deficiency. Identifiers: Orphanet 2066, MedGen C0342708, MONDO:0013166, OMIM 613163.

Allele frequency attached by ClinVar (database versions not stated): TOPMed 0.00001; ExAC 0.00003; ESP Exome Variant Server 0.00008.
gnomAD v4.1: 36 of 1,614,038 alleles (0.0022%); highest among the groups gnomAD compares: African/African-American, 0.004%; no homozygotes.

Submissions (2):

Labcorp Genetics (formerly Invitae), Labcorp
Classification: Uncertain significance for Gamma-aminobutyric acid transaminase deficiency. Last evaluated: 2024-11-11. Review status: criteria provided, single submitter. Criteria: Invitae Variant Classification Sherloc (09022015). Collection method: clinical testing. Allele origin: germline.
Comment: This sequence change replaces alanine, which is neutral and non-polar, with valine, which is neutral and non-polar, at codon 226 of the ABAT protein (p.Ala226Val). This variant is present in population databases (rs372807667, gnomAD 0.007%). This variant has not been reported in the literature in individuals affected with ABAT-related conditions. ClinVar contains an entry for this variant (Variation ID: 639628). Invitae Evidence Modeling of protein sequence and biophysical properties (such as structural, functional, and spatial information, amino acid conservation, physicochemical variation, residue mobility, and thermodynamic stability) indicates that this missense variant is expected to disrupt ABAT protein function with a positive predictive value of 80%. In summary, the available evidence is currently insufficient to determine the role of this variant in disease. Therefore, it has been classified as a Variant of Uncertain Significance.

Fulgent Genetics
Classification: Uncertain significance for Gamma-aminobutyric acid transaminase deficiency. Last evaluated: 2022-04-13. Review status: criteria provided, single submitter. Criteria: ACMG Guidelines, 2015. Collection method: clinical testing. Allele origin: unknown.

NM_020686.6(ABAT):c.677C>T (p.Ala226Val)

Gene: ABAT (4-aminobutyrate aminotransferase; plus strand). Cytogenetic location: 16p13.2.
Variant type: single nucleotide variant.
Coding change: c.677C>T on transcript NM_020686.6 (MANE Select); coding-DNA position 677, C replaced by T.
Protein change: p.Ala226Val; replaces alanine 226 with valine.
Molecular consequence: missense variant.
Genome position (GRCh38, 1-based): chr16:8,768,834, C>T. VCF-style: chr16-8768834-C-T. GRCh37 (hg19) VCF-style: chr16-8862691-C-T.
Other names: c.677C>T, p.Ala226Val (NM_000663.5, NM_001127448.2, NM_001386600.1 and 7 more transcripts); c.614C>T, p.Ala205Val (NM_001386606.1, NM_001386607.1); c.584C>T, p.Ala195Val (NM_001386608.1); c.542C>T, p.Ala181Val (NM_001386610.1, NM_001386611.1); c.479C>T, p.Ala160Val (NM_001386612.1, NM_001386613.1); c.431C>T, p.Ala144Val (NM_001386614.1); c.773C>T, p.Ala258Val (NM_001386615.1); short protein forms A226V, A144V, A160V, A181V, A195V, A205V, A258V.
Identifiers: ClinVar variation 639628 (VCV000639628.11), dbSNP rs372807667, ClinGen allele CA7893265.